The following is an entry in ClinVar:

NM_001261826.3(AP3D1):c.28A>T (p.Ile10Phe)

Gene: AP3D1 (adaptor related protein complex 3 subunit delta 1; minus strand). Cytogenetic location: 19p13.3.
Variant type: single nucleotide variant.
Coding change: c.28A>T on transcript NM_001261826.3 (MANE Select); coding-DNA position 28, A replaced by T.
Protein change: p.Ile10Phe; replaces isoleucine 10 with phenylalanine.
Molecular consequence: missense variant.
Genome position (GRCh38, 1-based): chr19:2,151,307, T>A on the plus strand (A>T on the coding strand, the complement: AP3D1 is on the minus strand). VCF-style: chr19-2151307-T-A. GRCh37 (hg19) VCF-style: chr19-2151306-T-A.
Other names: c.28A>T, p.Ile10Phe (NM_001374799.1, NM_003938.8); short protein forms I10F.
Identifiers: ClinVar variation 2857875 (VCV002857875.3), dbSNP rs2512263792, ClinGen allele CA403238944.
Genomic context (GRCh38, chr19:2,151,307, plus strand): 5'-CCTTGTGGTTACGGATGCCGCGGACCAAGTCCTGCAGATTCTTGTCGAACATGCGGTCGA[T>A]GCTGCCCTTCACCATCTTGAGGGCCATCGCGGCGGCCCACGGGCTTTTGCCTCGGGAGGC-3'
Protein context (NP_001248755.1, residues 1-20): MALKMVKGS[Ile10Phe]DRMFDKNLQD

ClinVar aggregate classification (germline): Uncertain significance (1 of 4 stars; one submission).

Submission:

Labcorp Genetics (formerly Invitae), Labcorp
Classification: Uncertain significance. Last evaluated: 2023-04-20. Review status: criteria provided, single submitter. Criteria: Invitae Variant Classification Sherloc (09022015). Collection method: clinical testing. Allele origin: germline.
Comment: This sequence change replaces isoleucine, which is neutral and non-polar, with phenylalanine, which is neutral and non-polar, at codon 10 of the AP3D1 protein (p.Ile10Phe). This variant is not present in population databases (gnomAD no frequency). This variant has not been reported in the literature in individuals affected with AP3D1-related conditions. An algorithm developed to predict the effect of missense changes on protein structure and function (PolyPhen-2) suggests that this variant is likely to be tolerated. In summary, the available evidence is currently insufficient to determine the role of this variant in disease. Therefore, it has been classified as a Variant of Uncertain Significance.